The following is an entry in ClinVar:

NM_006922.4(SCN3A):c.75C>T (p.Ile25=)

Gene: SCN3A (sodium voltage-gated channel alpha subunit 3; minus strand). Cytogenetic location: 2q24.3.
Variant type: single nucleotide variant.
Coding change: c.75C>T on transcript NM_006922.4 (MANE Select); coding-DNA position 75, C replaced by T.
Protein change: p.Ile25=; no amino-acid change (isoleucine 25 retained).
Molecular consequence: synonymous variant.
Genome position (GRCh38, 1-based): chr2:165,176,320, G>A on the plus strand (C>T on the coding strand, the complement: SCN3A is on the minus strand). VCF-style: chr2-165176320-G-A. GRCh37 (hg19) VCF-style: chr2-166032830-G-A.
Other names: c.75C>T, p.Ile25= (NM_001081676.2, NM_001081677.2).
Identifiers: ClinVar variation 767484 (VCV000767484.12), dbSNP rs112118503, ClinGen allele CA60231508.
Genomic context (GRCh38, chr2:165,176,320, plus strand): 5'-ATCATCATTATCTTGTTCCTTTTTGGGCTTCTTGGCTTTCTCTTCTGCAGCACGTTTTTC[G>A]ATAGCAGCAAGAGATTCTCTAGTAAAAAGGCGGAAGCTTTCAGGTCCTGGGGGTACCAAC-3'
Protein context (NP_008853.3, residues 15-35): RLFTRESLAA[Ile25=]EKRAAEEKAK

ClinVar aggregate classification (germline): Likely benign. Review status: criteria provided, single submitter (1 of 4 stars). 2 submissions from 2 submitters: Likely benign (1). 1 of the submissions does not count toward it. Last evaluated 2025-05-18.

Conditions:
SCN3A-related disorder. Also called: SCN3A-related condition.

Allele frequency attached by ClinVar (database versions not stated): gnomAD exomes 0.00001; gnomAD 0.00001.
gnomAD v4.1: 12 of 1,613,894 alleles (0.00074%); highest among the groups gnomAD compares: African/African-American, 0.0013%; no homozygotes.

Submissions (2):

Labcorp Genetics (formerly Invitae), Labcorp
Classification: Likely benign. Last evaluated: 2025-05-18. Review status: criteria provided, single submitter. Criteria: Invitae Variant Classification Sherloc (09022015). Collection method: clinical testing. Allele origin: germline.

PreventionGenetics, part of Exact Sciences
Classification: Likely benign for SCN3A-related condition. Last evaluated: 2019-09-27. Review status: no assertion criteria provided. Collection method: clinical testing. Allele origin: germline. Not counted in ClinVar's aggregate classification.
Comment: This variant is classified as likely benign based on ACMG/AMP sequence variant interpretation guidelines (Richards et al. 2015 PMID: 25741868, with internal and published modifications).